The following is an entry in ClinVar:

NM_001349253.2(SCN11A):c.2936A>G (p.Gln979Arg)

Gene: SCN11A (sodium voltage-gated channel alpha subunit 11; minus strand). Cytogenetic location: 3p22.2.
Variant type: single nucleotide variant.
Coding change: c.2936A>G on transcript NM_001349253.2 (MANE Select); coding-DNA position 2936, A replaced by G.
Protein change: p.Gln979Arg; replaces glutamine 979 with arginine.
Molecular consequence: missense variant.
Genome position (GRCh38, 1-based): chr3:38,886,138, T>C on the plus strand (A>G on the coding strand, the complement: SCN11A is on the minus strand). VCF-style: chr3-38886138-T-C. GRCh37 (hg19) VCF-style: chr3-38927629-T-C.
Other names: c.2936A>G, p.Gln979Arg (NM_014139.3); short protein forms Q979R.
Identifiers: ClinVar variation 1718994 (VCV001718994.5), dbSNP rs757644917, ClinGen allele CA2321921.

ClinVar aggregate classification (germline): Uncertain significance (1 of 4 stars; one submission).

Conditions:
Hereditary sensory and autonomic neuropathy type 7. Also called: HSAN VII; Neuropathy, hereditary sensory and autonomic, type VII. Identifiers: Orphanet 391397, MedGen C3809882, MONDO:0014244, OMIM 615548.
Familial episodic pain syndrome with predominantly lower limb involvement. Also called: Episodic pain syndrome, familial, 3. Identifiers: Orphanet 391384, Orphanet 391392, MedGen C3809899, MONDO:0014247, OMIM 615552.

Allele frequency attached by ClinVar (database versions not stated): gnomAD exomes below 0.00001; ExAC 0.00001.
gnomAD v4.1: 3 of 1,610,110 alleles (0.00019%); highest among the groups gnomAD compares: South Asian, 0.0022%; no homozygotes.

Submission:

Labcorp Genetics (formerly Invitae), Labcorp
Classification: Uncertain significance for Familial episodic pain syndrome with predominantly lower limb involvement; Hereditary sensory and autonomic neuropathy type 7. Last evaluated: 2022-09-07. Review status: criteria provided, single submitter. Criteria: Invitae Variant Classification Sherloc (09022015). Collection method: clinical testing. Allele origin: germline.
Comment: This variant has not been reported in the literature in individuals affected with SCN11A-related conditions. Algorithms developed to predict the effect of missense changes on protein structure and function output the following: SIFT: "Tolerated"; PolyPhen-2: "Benign"; Align-GVGD: "Class C0". The arginine amino acid residue is found in multiple mammalian species, which suggests that this missense change does not adversely affect protein function. In summary, the available evidence is currently insufficient to determine the role of this variant in disease. Therefore, it has been classified as a Variant of Uncertain Significance. This variant is present in population databases (rs757644917, gnomAD 0.003%). This sequence change replaces glutamine, which is neutral and polar, with arginine, which is basic and polar, at codon 979 of the SCN11A protein (p.Gln979Arg).